The following is an entry in ClinVar:

ClinVar aggregate classification (germline): Uncertain significance. Review status: criteria provided, multiple submitters, no conflicts (2 of 4 stars). 3 submissions from 3 submitters: Uncertain significance (3). Last evaluated 2026-01-27.

Conditions:
Gastrointestinal stromal tumor. Also called: Gastrointestinal stromal tumor, somatic; Gastrointestinal stroma tumor. Identifiers: Orphanet 44890, MedGen C0238198, MeSH D046152, MONDO:0011719, OMIM 606764, HP:0100723.
Polyps, multiple and recurrent inflammatory fibroid, gastrointestinal. Identifiers: MedGen C5193005, MONDO:0008285, OMIM 175510.
Hereditary cancer-predisposing syndrome. Also called: Neoplastic Syndromes, Hereditary; Tumor predisposition; Hereditary Cancer Syndrome; Hereditary neoplastic syndrome. Identifiers: Orphanet 140162, MedGen C0027672, MeSH D009386, MONDO:0015356.

Allele frequency attached by ClinVar (database versions not stated): gnomAD exomes below 0.00001; TOPMed below 0.00001; gnomAD 0.00001.
gnomAD v4.1: 4 of 1,613,954 alleles (0.00025%); highest among the groups gnomAD compares: Non-Finnish European, 0.00034%; no homozygotes.

Submissions (3):

Labcorp Genetics (formerly Invitae), Labcorp
Classification: Uncertain significance for Gastrointestinal stromal tumor. Last evaluated: 2026-01-27. Review status: criteria provided, single submitter. Criteria: Invitae Variant Classification Sherloc (09022015). Collection method: clinical testing. Allele origin: germline.
Comment: This sequence change replaces tyrosine, which is neutral and polar, with phenylalanine, which is neutral and non-polar, at codon 574 of the PDGFRA protein (p.Tyr574Phe). This variant is not present in population databases (gnomAD no frequency). This variant has not been reported in the literature in individuals affected with PDGFRA-related conditions. ClinVar contains an entry for this variant (Variation ID: 662983). Invitae Evidence Modeling of protein sequence and biophysical properties (such as structural, functional, and spatial information, amino acid conservation, physicochemical variation, residue mobility, and thermodynamic stability) indicates that this missense variant is not expected to disrupt PDGFRA protein function with a negative predictive value of 80%. In summary, the available evidence is currently insufficient to determine the role of this variant in disease. Therefore, it has been classified as a Variant of Uncertain Significance.

Ambry Genetics
Classification: Uncertain significance for Hereditary cancer-predisposing syndrome. Last evaluated: 2024-12-10. Review status: criteria provided, single submitter. Criteria: Ambry Variant Classification Scheme 2023. Collection method: clinical testing. Allele origin: germline.
Comment: The p.Y574F variant (also known as c.1721A>T), located in coding exon 11 of the PDGFRA gene, results from an A to T substitution at nucleotide position 1721. The tyrosine at codon 574 is replaced by phenylalanine, an amino acid with highly similar properties. This amino acid position is highly conserved in available vertebrate species. In addition, the in silico prediction for this alteration is inconclusive. Based on the available evidence, the clinical significance of this variant remains unclear.

Baylor Genetics
Classification: Uncertain significance for Polyps, multiple and recurrent inflammatory fibroid, gastrointestinal. Last evaluated: 2023-12-26. Review status: criteria provided, single submitter. Criteria: ACMG Guidelines, 2015. Collection method: clinical testing. Allele origin: unknown.

NM_006206.6(PDGFRA):c.1721A>T (p.Tyr574Phe)

Gene: PDGFRA (platelet derived growth factor receptor alpha; plus strand). Cytogenetic location: 4q12.
Variant type: single nucleotide variant.
Coding change: c.1721A>T on transcript NM_006206.6 (MANE Select); coding-DNA position 1721, A replaced by T.
Protein change: p.Tyr574Phe; replaces tyrosine 574 with phenylalanine.
Molecular consequence: missense variant.
Genome position (GRCh38, 1-based): chr4:54,274,908, A>T. VCF-style: chr4-54274908-A-T. GRCh37 (hg19) VCF-style: chr4-55141075-A-T.
Other names: c.1721A>T, p.Tyr574Phe (NM_001347827.2, NM_001347829.2); c.1796A>T, p.Tyr599Phe (NM_001347828.2); c.1760A>T, p.Tyr587Phe (NM_001347830.2); short protein forms Y587F, Y574F, Y599F.
Identifiers: ClinVar variation 662983 (VCV000662983.12), dbSNP rs924618799, ClinGen allele CA96859738.